The following is an entry in ClinVar:

NM_018089.3(ANKZF1):c.173A>C (p.Glu58Ala)

Gene: ANKZF1 (ankyrin repeat and zinc finger peptidyl tRNA hydrolase 1; plus strand). Cytogenetic location: 2q35.
Variant type: single nucleotide variant.
Coding change: c.173A>C on transcript NM_018089.3 (MANE Select); coding-DNA position 173, A replaced by C.
Protein change: p.Glu58Ala; replaces glutamic acid 58 with alanine.
Molecular consequence: missense variant. On other transcripts: intron variant (1).
Genome position (GRCh38, 1-based): chr2:219,231,952, A>C. VCF-style: chr2-219231952-A-C. GRCh37 (hg19) VCF-style: chr2-220096674-A-C.
Other names: p.Glu58Ala; c.173A>C, p.Glu58Ala (NM_001042410.2); c.-266-538A>C (NM_001282792.2); c.173A>C (NM_018089.2); short protein forms E58A.
Identifiers: ClinVar variation 1166589 (VCV001166589.12), dbSNP rs369043900, ClinGen allele CA2120668.

ClinVar aggregate classification (germline): Benign/Likely benign. Review status: criteria provided, multiple submitters, no conflicts (2 of 4 stars). 3 submissions from 3 submitters: Benign (1); Likely benign (1). 1 of the submissions does not count toward it. Last evaluated 2026-02-01.

Conditions:
ANKZF1-related disorder. Also called: ANKZF1-related condition.

Allele frequency attached by ClinVar (database versions not stated): gnomAD 0.00001 and 0.00031; TOPMed 0.00005; gnomAD exomes 0.00049 and 0.00109; ExAC 0.00121; 1000 Genomes Project 30x 0.00219; 1000 Genomes Project 0.00260.
gnomAD v4.1: 775 of 1,614,064 alleles (0.048%); highest among the groups gnomAD compares: South Asian, 0.8%; 9 homozygotes.

Submissions (3):

Labcorp Genetics (formerly Invitae), Labcorp
Classification: Benign. Last evaluated: 2026-02-01. Review status: criteria provided, single submitter. Criteria: Invitae Variant Classification Sherloc (09022015). Collection method: clinical testing. Allele origin: germline.

Mayo Clinic Laboratories, Mayo Clinic
Classification: Likely benign. Last evaluated: 2025-10-15. Review status: criteria provided, single submitter. Criteria: ACMG Guidelines, 2015. Collection method: clinical testing. Allele origin: germline. Observed: 1 variant allele.
Comment: BS2, BP4

PreventionGenetics, part of Exact Sciences
Classification: Benign for ANKZF1-related condition. Last evaluated: 2019-06-21. Review status: no assertion criteria provided. Collection method: clinical testing. Allele origin: germline. Not counted in ClinVar's aggregate classification.
Comment: This variant is classified as benign based on ACMG/AMP sequence variant interpretation guidelines (Richards et al. 2015 PMID: 25741868, with internal and published modifications).